The following is an entry in ClinVar:

ClinVar aggregate classification (germline): Uncertain significance. Review status: criteria provided, multiple submitters, no conflicts (2 of 4 stars). 2 submissions from 2 submitters: Uncertain significance (2). Last evaluated 2023-12-18.

Conditions:
Hereditary cancer-predisposing syndrome. Also called: Hereditary neoplastic syndrome; Neoplastic Syndromes, Hereditary; Tumor predisposition; Hereditary Cancer Syndrome. Identifiers: Orphanet 140162, MedGen C0027672, MeSH D009386, MONDO:0015356.
Hereditary diffuse gastric adenocarcinoma (HDGC). Also called: DIFFUSE GASTRIC AND LOBULAR BREAST CANCER SYNDROME. Identifiers: Orphanet 26106, MedGen C1708349, MONDO:0007648, OMIM 137215.

Allele frequency attached by ClinVar (database versions not stated): gnomAD exomes below 0.00001.
gnomAD v4.1: 1 of 1,614,224 alleles (0.000062%); highest among the groups gnomAD compares: Non-Finnish European, 0.000085%; no homozygotes.

Submissions (2):

Labcorp Genetics (formerly Invitae), Labcorp
Classification: Uncertain significance for Hereditary diffuse gastric adenocarcinoma. Last evaluated: 2023-12-18. Review status: criteria provided, single submitter. Criteria: Invitae Variant Classification Sherloc (09022015). Collection method: clinical testing. Allele origin: germline.
Comment: This sequence change replaces aspartic acid, which is acidic and polar, with histidine, which is basic and polar, at codon 80 of the CDH1 protein (p.Asp80His). This variant is not present in population databases (gnomAD no frequency). This variant has not been reported in the literature in individuals affected with CDH1-related conditions. ClinVar contains an entry for this variant (Variation ID: 481687). An algorithm developed to predict the effect of missense changes on protein structure and function (PolyPhen-2) suggests that this variant is likely to be disruptive. In summary, the available evidence is currently insufficient to determine the role of this variant in disease. Therefore, it has been classified as a Variant of Uncertain Significance.

Ambry Genetics
Classification: Uncertain significance for Hereditary cancer-predisposing syndrome. Last evaluated: 2023-10-11. Review status: criteria provided, single submitter. Criteria: Ambry Variant Classification Scheme 2023. Collection method: clinical testing. Allele origin: germline.
Comment: The p.D80H variant (also known as c.238G>C), located in coding exon 3 of the CDH1 gene, results from a G to C substitution at nucleotide position 238. The aspartic acid at codon 80 is replaced by histidine, an amino acid with similar properties. This amino acid position is well conserved in available vertebrate species. In addition, this alteration is predicted to be tolerated by in silico analysis. Since supporting evidence is limited at this time, the clinical significance of this alteration remains unclear.

NM_004360.5(CDH1):c.238G>C (p.Asp80His)

Gene: CDH1 (cadherin 1; plus strand). Cytogenetic location: 16q22.1.
Variant type: single nucleotide variant.
Coding change: c.238G>C on transcript NM_004360.5 (MANE Select); coding-DNA position 238, G replaced by C.
Protein change: p.Asp80His; replaces aspartic acid 80 with histidine.
Molecular consequence: missense variant. On other transcripts: 5 prime UTR variant (2).
Genome position (GRCh38, 1-based): chr16:68,801,744, G>C. VCF-style: chr16-68801744-G-C. GRCh37 (hg19) VCF-style: chr16-68835647-G-C.
Other names: c.238G>C (LRG_301t1); c.238G>C, p.Asp80His (NM_001317184.2); c.-1378G>C (NM_001317185.2); c.-1582G>C (NM_001317186.2); short protein forms D80H.
Identifiers: ClinVar variation 481687 (VCV000481687.8), dbSNP rs1555514423, ClinGen allele CA396457216.